The following is an entry in ClinVar:

ClinVar aggregate classification (germline): Pathogenic (1 of 4 stars; one submission).

Conditions:
Supravalvar aortic stenosis (SVAS). Also called: Supravalvar aortic stenosis, Eisenberg type. Identifiers: Orphanet 3193, MedGen C0003499, MONDO:0008504, OMIM 185500, HP:0004381.

Submission:

Labcorp Genetics (formerly Invitae), Labcorp
Classification: Pathogenic for Supravalvar aortic stenosis. Last evaluated: 2024-06-17. Review status: criteria provided, single submitter. Criteria: Invitae Variant Classification Sherloc (09022015). Collection method: clinical testing. Allele origin: germline.
Comment: This sequence change creates a premature translational stop signal (p.Gly628*) in the ELN gene. It is expected to result in an absent or disrupted protein product. Loss-of-function variants in ELN are known to be pathogenic (PMID: 11175284). This variant is not present in population databases (gnomAD no frequency). This variant has not been reported in the literature in individuals affected with ELN-related conditions. For these reasons, this variant has been classified as Pathogenic.

Literature cited by the submitters: PubMed 11175284.

NM_000501.4(ELN):c.1747+48G>T

Genes: ELN (elastin; plus strand), ELN-AS1 (ELN antisense RNA 1; minus strand). Cytogenetic location: 7q11.23.
Variant type: single nucleotide variant.
Coding change: c.1747+48G>T on transcript NM_000501.4 (MANE Select); 48 bases into the intron after coding-DNA position 1747, G replaced by T.
Molecular consequence: intron variant. On other transcripts: nonsense (1).
Genome position (GRCh38, 1-based): chr7:74,060,549, G>T. VCF-style: chr7-74060549-G-T. GRCh37 (hg19) VCF-style: chr7-73474879-G-T.
Other names: c.1882G>T, p.Gly628Ter (NM_001278939.2); c.1762+48G>T (NM_001081754.3); c.1705+48G>T (NM_001081753.3); c.1765+48G>T (NM_001278915.2); c.1747+48G>T (NM_001278912.2); c.1690+48G>T (NM_001081755.3); c.1603+48G>T (NM_001278916.2); c.1504+48G>T (NM_001278913.2); and 4 more; short protein forms G628*.
Identifiers: ClinVar variation 3633668 (VCV003633668.2).